The following is an entry in ClinVar:

NM_006767.4(LZTR1):c.1402C>T (p.Arg468Cys)

Gene: LZTR1 (leucine zipper like post translational regulator 1; plus strand). Cytogenetic location: 22q11.21.
Variant type: single nucleotide variant.
Coding change: c.1402C>T on transcript NM_006767.4 (MANE Select); coding-DNA position 1402, C replaced by T.
Protein change: p.Arg468Cys; replaces arginine 468 with cysteine.
Molecular consequence: missense variant.
Genome position (GRCh38, 1-based): chr22:20,993,972, C>T. VCF-style: chr22-20993972-C-T. GRCh37 (hg19) VCF-style: chr22-21348261-C-T.
Other names: short protein forms R468C.
Identifiers: ClinVar variation 712212 (VCV000712212.28), dbSNP rs374741798, ClinGen allele CA10118873.
Genomic context (GRCh38, chr22:20,993,972, plus strand): 5'-TTCTTTGTGCAGAAGGAGGAGTGCGTGCAGGGCCACGTAGCCATTGTCACAGCGCGGAGC[C>T]GCTGGCTTCGCAGGAAGATCACGCAGGCGCGGGAGAGGCTGGCCCAGGTGAGGTGCCTAA-3'
Protein context (NP_006758.2, residues 458-478): GHVAIVTARS[Arg468Cys]WLRRKITQAR

ClinVar aggregate classification (germline): Conflicting classifications of pathogenicity. Review status: criteria provided, conflicting classifications (1 of 4 stars). 8 submissions from 8 submitters: Uncertain significance (2); Likely benign (6). Last evaluated 2026-07-28.

Conditions:
LZTR1-related disorder. Also called: LZTR1-related disorders; LZTR1-related condition.
Noonan syndrome and Noonan-related syndrome. Identifiers: Orphanet 98733, MedGen C5681679, MONDO:0020297.
Hereditary cancer-predisposing syndrome. Also called: Neoplastic Syndromes, Hereditary; Tumor predisposition; Hereditary Cancer Syndrome; Hereditary neoplastic syndrome. Identifiers: Orphanet 140162, MedGen C0027672, MeSH D009386, MONDO:0015356.
Cardiovascular phenotype. Identifiers: MedGen CN230736.

Allele frequency attached by ClinVar (database versions not stated): gnomAD 0.00003 and 0.00008; TOPMed 0.00006; ESP Exome Variant Server 0.00008; gnomAD exomes 0.00014 and 0.00025; ExAC 0.00031; 1000 Genomes Project 30x 0.00047; 1000 Genomes Project 0.00060.

Submissions (8):

GeneDx
Classification: Uncertain significance. Last evaluated: 2026-07-28. Review status: criteria provided, single submitter. Criteria: GeneDx Variant Classification Process June 2021. Collection method: clinical testing. Allele origin: germline.
Comment: In silico analysis supports that this missense variant has a deleterious effect on protein structure/function; Has not been previously published as pathogenic or benign to our knowledge

PreventionGenetics, part of Exact Sciences
Classification: Likely benign for LZTR1-related condition. Last evaluated: 2026-06-30. Review status: criteria provided, single submitter. Criteria: ACMG Guidelines, 2015. Collection method: clinical testing. Allele origin: germline.
Comment: This variant is classified as likely benign based on ACMG/AMP sequence variant interpretation guidelines (Richards et al. 2015 PMID: 25741868, with internal and published modifications).

Women's Health and Genetics/Laboratory Corporation of America, LabCorp
Classification: Uncertain significance. Last evaluated: 2026-06-22. Review status: criteria provided, single submitter. Criteria: LabCorp Variant Classification Summary - May 2015. Collection method: clinical testing. Allele origin: germline.
Comment: Variant summary: LZTR1 c.1402C>T (p.Arg468Cys) results in a non-conservative amino acid change in the encoded protein sequence. Algorithms developed to predict the effect of missense changes on protein structure and function are either unavailable or do not agree on the potential impact of this missense change. The variant allele was found at a frequency of 0.00025 in 246682 control chromosomes in the gnomAD database, including 1 homozygotes. This frequency is not significantly higher than estimated for disease-causing variants in LZTR1, allowing no conclusion about variant significance. To our knowledge, no occurrence of c.1402C>T in individuals affected with LZTR1-related conditions and no experimental evidence demonstrating its impact on protein function have been reported. ClinVar contains an entry for this variant (Variation ID: 712212). Based on the evidence outlined above, the variant was classified as uncertain significance.

Labcorp Genetics (formerly Invitae), Labcorp
Classification: Likely benign. Last evaluated: 2026-01-18. Review status: criteria provided, single submitter. Criteria: Invitae Variant Classification Sherloc (09022015). Collection method: clinical testing. Allele origin: germline.

CeGaT Center for Human Genetics Tuebingen
Classification: Likely benign. Last evaluated: 2025-07-01. Review status: criteria provided, single submitter. Criteria: CeGaT Center For Human Genetics Tuebingen Variant Classification Criteria Version 2. Collection method: clinical testing. Allele origin: germline. Affected: yes. Observed: 1 variant allele.
Comment: LZTR1: BS2

Blueprint Genetics
Classification: Likely benign. Last evaluated: 2024-09-14. Review status: criteria provided, single submitter. Criteria: ACMG Guidelines, 2015. Collection method: clinical testing. Allele origin: germline.

Ambry Genetics
Classification: Likely benign for Cardiovascular phenotype; Hereditary cancer-predisposing syndrome. Last evaluated: 2021-02-18. Review status: criteria provided, single submitter. Criteria: Ambry Variant Classification Scheme 2023. Collection method: clinical testing. Allele origin: germline.

Genome Diagnostics Laboratory, The Hospital for Sick Children
Classification: Likely benign for Noonan syndrome and Noonan-related syndrome. Last evaluated: 2020-03-01. Review status: criteria provided, single submitter. Criteria: ACMG Guidelines, 2015. Collection method: clinical testing. Allele origin: germline.